The following is an entry in ClinVar:

NM_001370259.2(MEN1):c.1384G>C (p.Ala462Pro)

Gene: MEN1 (menin 1; minus strand). Cytogenetic location: 11q13.1.
Variant type: single nucleotide variant.
Coding change: c.1384G>C on transcript NM_001370259.2 (MANE Select); coding-DNA position 1384, G replaced by C.
Protein change: p.Ala462Pro; replaces alanine 462 with proline.
Molecular consequence: missense variant.
Genome position (GRCh38, 1-based): chr11:64,804,783, C>G on the plus strand (G>C on the coding strand, the complement: MEN1 is on the minus strand). VCF-style: chr11-64804783-C-G. GRCh37 (hg19) VCF-style: chr11-64572255-C-G.
Other names: c.1399G>C, p.Ala467Pro (NM_000244.4, NM_130800.3, NM_130801.3 and 3 more transcripts); c.1510G>C, p.Ala504Pro (NM_001370251.2); c.1384G>C, p.Ala462Pro (NM_001370260.2, NM_001370261.2, NM_130799.3); c.1279G>C, p.Ala427Pro (NM_001370262.2, NM_001370263.2); short protein forms A427P, A504P, A467P, A462P.
Identifiers: ClinVar variation 857310 (VCV000857310.9), dbSNP rs1941565557, ClinGen allele CA381179762.

ClinVar aggregate classification (germline): Uncertain significance (1 of 4 stars; one submission).

Conditions:
Multiple endocrine neoplasia, type 1 (MEN1). Also called: MEN I; WERMER SYNDROME; MEA I; Endocrine adenomatosis multiple; MEN 1. Identifiers: Orphanet 652, MedGen C0025267, MeSH D018761, MONDO:0007540, OMIM 131100.

Submission:

Labcorp Genetics (formerly Invitae), Labcorp
Classification: Uncertain significance for Multiple endocrine neoplasia, type 1. Last evaluated: 2019-02-12. Review status: criteria provided, single submitter. Criteria: Invitae Variant Classification Sherloc (09022015). Collection method: clinical testing. Allele origin: germline.
Comment: In summary, the available evidence is currently insufficient to determine the role of this variant in disease. Therefore, it has been classified as a Variant of Uncertain Significance. Algorithms developed to predict the effect of missense changes on protein structure and function output the following: SIFT: "Tolerated"; PolyPhen-2: "Benign"; Align-GVGD: "Class C0". The proline amino acid residue is found in multiple mammalian species, suggesting that this missense change does not adversely affect protein function. These predictions have not been confirmed by published functional studies and their clinical significance is uncertain. This variant has not been reported in the literature in individuals with MEN1-related conditions. This variant is not present in population databases (ExAC no frequency). This sequence change replaces alanine with proline at codon 462 of the MEN1 protein (p.Ala462Pro). The alanine residue is moderately conserved and there is a small physicochemical difference between alanine and proline.